The following is an entry in ClinVar:

NM_001330078.2(NRXN1):c.2945C>G (p.Pro982Arg)

Gene: NRXN1 (neurexin 1; minus strand). Cytogenetic location: 2p16.3.
Variant type: single nucleotide variant.
Coding change: c.2945C>G on transcript NM_001330078.2 (MANE Select); coding-DNA position 2945, C replaced by G.
Protein change: p.Pro982Arg; replaces proline 982 with arginine.
Molecular consequence: missense variant.
Genome position (GRCh38, 1-based): chr2:50,496,030, G>C on the plus strand (C>G on the coding strand, the complement: NRXN1 is on the minus strand). VCF-style: chr2-50496030-G-C. GRCh37 (hg19) VCF-style: chr2-50723168-G-C.
Other names: c.3065C>G, p.Pro1022Arg (NM_001135659.3); c.2921C>G, p.Pro974Arg (NM_001330077.2, NM_001330082.2); c.2879C>G, p.Pro960Arg (NM_001330083.2, NM_001330084.2); c.2918C>G, p.Pro973Arg (NM_001330085.2); c.2945C>G, p.Pro982Arg (NM_001330086.2, NM_004801.6); c.2834C>G, p.Pro945Arg (NM_001330087.2, NM_001330096.2); c.2864C>G, p.Pro955Arg (NM_001330088.2); c.2942C>G, p.Pro981Arg (NM_001330093.2); and 2 more; short protein forms P981R, P960R, P965R, P973R, P978R, P1022R, P945R, P955R.
Identifiers: ClinVar variation 3726781 (VCV003726781.2).

ClinVar aggregate classification (germline): Uncertain significance (1 of 4 stars; one submission).

Conditions:
Pitt-Hopkins-like syndrome 2 (PTHSL2). Identifiers: Orphanet 221150, Orphanet 600663, MedGen C3280479, MONDO:0013690, OMIM 614325.

gnomAD v4.1: 2 of 1,613,110 alleles (0.00012%); highest among the groups gnomAD compares: East Asian, 0.0045%; no homozygotes.

Submission:

Labcorp Genetics (formerly Invitae), Labcorp
Classification: Uncertain significance for Pitt-Hopkins-like syndrome 2. Last evaluated: 2024-12-07. Review status: criteria provided, single submitter. Criteria: Invitae Variant Classification Sherloc (09022015). Collection method: clinical testing. Allele origin: germline.
Comment: This sequence change replaces proline, which is neutral and non-polar, with arginine, which is basic and polar, at codon 1022 of the NRXN1 protein (p.Pro1022Arg). This variant is present in population databases (rs748676231, gnomAD 0.01%). This variant has not been reported in the literature in individuals affected with NRXN1-related conditions. An algorithm developed to predict the effect of missense changes on protein structure and function (PolyPhen-2) suggests that this variant is likely to be disruptive. In summary, the available evidence is currently insufficient to determine the role of this variant in disease. Therefore, it has been classified as a Variant of Uncertain Significance.